The following is an entry in ClinVar:

NM_000052.7(ATP7A):c.1903G>A (p.Asp635Asn)

Gene: ATP7A (ATPase copper transporting alpha; plus strand). Cytogenetic location: Xq21.1.
Variant type: single nucleotide variant.
Coding change: c.1903G>A on transcript NM_000052.7 (MANE Select); coding-DNA position 1903, G replaced by A.
Protein change: p.Asp635Asn; replaces aspartic acid 635 with asparagine.
Molecular consequence: missense variant.
Genome position (GRCh38, 1-based): chrX:78,011,209, G>A. VCF-style: chrX-78011209-G-A. GRCh37 (hg19) VCF-style: chrX-77266706-G-A.
Other names: c.1903G>A, p.Asp635Asn (NM_001282224.2); short protein forms D635N.
Identifiers: ClinVar variation 1313124 (VCV001313124.2), dbSNP rs2149094962, ClinGen allele CA413597966.

ClinVar aggregate classification (germline): Uncertain significance (1 of 4 stars; one submission).

Submission:

GeneDx
Classification: Uncertain significance. Last evaluated: 2020-07-20. Review status: criteria provided, single submitter. Criteria: GeneDx Variant Classification Process June 2021. Collection method: clinical testing. Allele origin: germline. Affected: yes.
Comment: Has not been previously published as pathogenic or benign to our knowledge; Not observed in large population cohorts (Lek et al., 2016); In silico analysis supports that this missense variant does not alter protein structure/function